The following is an entry in ClinVar:

NM_000350.3(ABCA4):c.1239+49TG[9]

Gene: ABCA4 (ATP binding cassette subfamily A member 4; minus strand). Cytogenetic location: 1p22.1.
Variant type: Microsatellite.
Coding change: c.1239+49TG[9] on transcript NM_000350.3 (MANE Select); nine copies in a row of the 2-base unit TG starting at c.1239+49; the reference has 12 copies in a row; three copies, 6 bases deleted.
Molecular consequence: intron variant.
Genome position (GRCh38, 1-based): chr1:94,079,250-94,079,255, CACACA deleted on the plus strand (TGTGTG on the coding strand, the reverse complement: ABCA4 is on the minus strand); deleting any 6 consecutive bases within chr1:94,079,250-94,079,274 gives the same sequence; the position shown is the placement nearest the transcript's 3' end. VCF-style (leftmost placement, unchanged base first): chr1-94079249-TCACACA-T. GRCh37 (hg19) VCF-style: chr1-94544805-TCACACA-T.
Identifiers: ClinVar variation 1707337 (VCV001707337.2), dbSNP rs4147886, ClinGen allele CA26868685.

ClinVar aggregate classification (germline): Likely benign (1 of 4 stars; one submission).

Submission:

GeneDx
Classification: Likely benign. Last evaluated: 2019-10-07. Review status: criteria provided, single submitter. Criteria: GeneDx Variant Classification Process June 2021. Collection method: clinical testing. Allele origin: germline. Affected: yes.
Comment: See Variant Classification Assertion Criteria.